The following is an entry in ClinVar:

ClinVar aggregate classification (germline): Pathogenic/Likely pathogenic. Review status: criteria provided, multiple submitters, no conflicts (2 of 4 stars). 2 submissions from 2 submitters: Pathogenic (1); Likely pathogenic (1). Last evaluated 2025-01-15.

Conditions:
Familial adenomatous polyposis 4 (FAP4). Also called: MSH3-related attenuated familial adenomatous polyposis. Identifiers: Orphanet 480536, MedGen C4310719, MONDO:0044300, OMIM 617100.

Submissions (2):

Labcorp Genetics (formerly Invitae), Labcorp
Classification: Pathogenic. Last evaluated: 2025-01-15. Review status: criteria provided, single submitter. Criteria: Invitae Variant Classification Sherloc (09022015). Collection method: clinical testing. Allele origin: germline.
Comment: This sequence change affects an acceptor splice site in intron 21 of the MSH3 gene. RNA analysis indicates that disruption of this splice site induces altered splicing and may result in an absent or altered protein product. This variant is not present in population databases (gnomAD no frequency). Disruption of this splice site has been observed in individual(s) with polyposis and colorectal cancer (PMID: 27476653). In at least one individual the data is consistent with being in trans (on the opposite chromosome) from a pathogenic variant. ClinVar contains an entry for this variant (Variation ID: 1068348). Studies have shown that disruption of this splice site results in skipping of exon 22, and produces a non-functional protein and/or introduces a premature termination codon (PMID: 27476653). For these reasons, this variant has been classified as Pathogenic.

Myriad Genetics, Inc.
Classification: Likely pathogenic for Familial adenomatous polyposis 4. Last evaluated: 2023-08-31. Review status: criteria provided, single submitter. Criteria: Myriad Autosomal Dominant, Autosomal Recessive and X-Linked Classification Criteria (2023). Collection method: clinical testing. Allele origin: unknown.
Comment: This variant is considered likely pathogenic. This variant occurs within a consensus splice junction and is predicted to result in abnormal mRNA splicing of either an out-of-frame exon or an in-frame exon necessary for protein stability and/or normal function.

Literature cited by the submitters: PubMed 27476653 (cited by Labcorp Genetics (formerly Invitae), Labcorp).

NM_002439.5(MSH3):c.3001-1G>A

Gene: MSH3 (mutS homolog 3; plus strand). Cytogenetic location: 5q14.1.
Variant type: single nucleotide variant.
Coding change: c.3001-1G>A on transcript NM_002439.5 (MANE Select); the canonical splice acceptor site of the intron before coding-DNA position 3001, G replaced by A.
Molecular consequence: splice acceptor variant.
Genome position (GRCh38, 1-based): chr5:80,864,812, G>A. VCF-style: chr5-80864812-G-A. GRCh37 (hg19) VCF-style: chr5-80160631-G-A.
Identifiers: ClinVar variation 1068348 (VCV001068348.9), dbSNP rs2112118327, ClinGen allele CA360346017.
Genomic context (GRCh38, chr5:80,864,812, plus strand): 5'-AGATTTTAATTACAATAAAATTTAAAAATGAAATAACATTTATTCTGTCTTATTGCTTTA[G>A]GTGAAATCCTTAACCCTGTTTGTCACCCATTATCCGCCAGTTTGTGAACTAGAAAAAAAT-3'